The following is an entry in ClinVar:

ClinVar aggregate classification (germline): Uncertain significance (1 of 4 stars; one submission).

Conditions:
Hereditary cancer-predisposing syndrome. Also called: Neoplastic Syndromes, Hereditary; Tumor predisposition; Hereditary Cancer Syndrome; Hereditary neoplastic syndrome. Identifiers: Orphanet 140162, MedGen C0027672, MeSH D009386, MONDO:0015356.

Submission:

Ambry Genetics
Classification: Uncertain significance for Hereditary cancer-predisposing syndrome. Last evaluated: 2022-02-12. Review status: criteria provided, single submitter. Criteria: Ambry Variant Classification Scheme 2023. Collection method: clinical testing. Allele origin: germline.
Comment: The p.S133C variant (also known as c.398C>G), located in coding exon 3 of the CTNNA1 gene, results from a C to G substitution at nucleotide position 398. The serine at codon 133 is replaced by cysteine, an amino acid with dissimilar properties. This amino acid position is conserved. In addition, the in silico prediction for this alteration is inconclusive. Since supporting evidence is limited at this time, the clinical significance of this alteration remains unclear.

NM_001903.5(CTNNA1):c.398C>G (p.Ser133Cys)

Gene: CTNNA1 (catenin alpha 1; plus strand). Cytogenetic location: 5q31.2.
Variant type: single nucleotide variant.
Coding change: c.398C>G on transcript NM_001903.5 (MANE Select); coding-DNA position 398, C replaced by G.
Protein change: p.Ser133Cys; replaces serine 133 with cysteine.
Molecular consequence: missense variant.
Genome position (GRCh38, 1-based): chr5:138,810,134, C>G. VCF-style: chr5-138810134-C-G. GRCh37 (hg19) VCF-style: chr5-138145823-C-G.
Other names: c.398C>G, p.Ser133Cys (NM_001290307.3, NM_001323982.2, NM_001323983.1 and 3 more transcripts); c.89C>G, p.Ser30Cys (NM_001290309.3); c.29C>G, p.Ser10Cys (NM_001290310.3); short protein forms S133C, S30C, S10C.
Identifiers: ClinVar variation 1736753 (VCV001736753.2), dbSNP rs1399488912, ClinGen allele CA361123243.